The following is an entry in ClinVar:

NM_001080421.3(UNC13A):c.3982G>A (p.Gly1328Ser)

Gene: UNC13A (unc-13 homolog A; minus strand). Cytogenetic location: 19p13.11.
Variant type: single nucleotide variant.
Coding change: c.3982G>A on transcript NM_001080421.3 (MANE Select); coding-DNA position 3982, G replaced by A.
Protein change: p.Gly1328Ser; replaces glycine 1328 with serine.
Molecular consequence: missense variant.
Genome position (GRCh38, 1-based): chr19:17,626,724, C>T on the plus strand (G>A on the coding strand, the complement: UNC13A is on the minus strand). VCF-style: chr19-17626724-C-T. GRCh37 (hg19) VCF-style: chr19-17737533-C-T.
Other names: c.3976G>A, p.Gly1326Ser (NM_001387021.1, NM_001387023.1); c.3973G>A, p.Gly1325Ser (NM_001387022.1); short protein forms G1325S, G1326S, G1328S.
Identifiers: ClinVar variation 2628485 (VCV002628485.2), dbSNP rs533316274, ClinGen allele CA306089322.

ClinVar aggregate classification (germline): Uncertain significance (1 of 4 stars; one submission).

Conditions:
UNC13A-related disorder. Also called: UNC13A-related condition.

Allele frequency attached by ClinVar (database versions not stated): gnomAD 0.00001; TOPMed 0.00001; gnomAD exomes 0.00002.
gnomAD v4.1: 36 of 1,610,332 alleles (0.0022%); highest among the groups gnomAD compares: Non-Finnish European, 0.0028%; no homozygotes.

Submission:

PreventionGenetics, part of Exact Sciences
Classification: Uncertain significance for UNC13A-related condition. Last evaluated: 2025-07-21. Review status: criteria provided, single submitter. Criteria: ACMG Guidelines, 2015. Collection method: clinical testing. Allele origin: germline.
Comment: The UNC13A c.3982G>A variant is predicted to result in the amino acid substitution p.Gly1328Ser. To our knowledge, this variant has not been reported in the literature. This variant is reported in 0.0018% of alleles in individuals of European (non-Finnish) descent in gnomAD. At this time, the clinical significance of this variant is uncertain due to the absence of conclusive functional and genetic evidence.